The following is an entry in ClinVar:

ClinVar aggregate classification (germline): Conflicting classifications of pathogenicity. Review status: criteria provided, conflicting classifications (1 of 4 stars). 3 submissions from 3 submitters: Uncertain significance (2); Likely benign (1). Last evaluated 2025-10-01.

Conditions:
Inborn genetic diseases. Identifiers: MedGen C0950123, MeSH D030342.

Allele frequency attached by ClinVar (database versions not stated): TOPMed below 0.00001; gnomAD 0.00001; gnomAD exomes 0.00001.
gnomAD v4.1: 8 of 1,207,582 alleles (0.00066%); highest among the groups gnomAD compares: East Asian, 0.003%; no homozygotes.

Submissions (3):

CeGaT Center for Human Genetics Tuebingen
Classification: Likely benign. Last evaluated: 2025-10-01. Review status: criteria provided, single submitter. Criteria: CeGaT Center For Human Genetics Tuebingen Variant Classification Criteria Version 2. Collection method: clinical testing. Allele origin: germline. Affected: yes. Observed: 1 variant allele.
Comment: MTM1: BS2

Ambry Genetics
Classification: Uncertain significance for Inborn genetic diseases. Last evaluated: 2024-09-10. Review status: criteria provided, single submitter. Criteria: Ambry Variant Classification Scheme 2023. Collection method: clinical testing. Allele origin: germline.

Revvity Omics, Revvity
Classification: Uncertain significance. Last evaluated: 2019-02-08. Review status: criteria provided, single submitter. Criteria: ACMG Guidelines, 2015. Collection method: clinical testing. Allele origin: germline.

NM_000252.3(MTM1):c.110G>A (p.Arg37Gln)

Gene: MTM1 (myotubularin 1; plus strand). Cytogenetic location: Xq28.
Variant type: single nucleotide variant.
Coding change: c.110G>A on transcript NM_000252.3 (MANE Select); coding-DNA position 110, G replaced by A.
Protein change: p.Arg37Gln; replaces arginine 37 with glutamine.
Molecular consequence: missense variant.
Genome position (GRCh38, 1-based): chrX:150,596,544, G>A. VCF-style: chrX-150596544-G-A. GRCh37 (hg19) VCF-style: chrX-149765008-G-A.
Other names: c.110G>A, p.Arg37Gln (NM_001376906.1, NM_001376907.1, NM_001376908.1); short protein forms R37Q.
Identifiers: ClinVar variation 2689452 (VCV002689452.9), dbSNP rs868992080, ClinGen allele CA415250258.